The following is an entry in ClinVar:

ClinVar aggregate classification (germline): Conflicting classifications of pathogenicity. Review status: criteria provided, conflicting classifications (1 of 4 stars). 7 submissions from 7 submitters: Pathogenic (2); Likely pathogenic (2); Uncertain significance (3). Last evaluated 2026-07-01.

Conditions:
Glycogen storage disease, type II (IOPD). Also called: POMPE DISEASE, INFANTILE-ONSET; GLYCOGEN STORAGE DISEASE II, INFANTILE-ONSET; ACID ALPHA-GLUCOSIDASE DEFICIENCY, INFANTILE-ONSET; GAA DEFICIENCY, INFANTILE-ONSET; ACID MALTASE DEFICIENCY, INFANTILE-ONSET; Glucosidase acid-1,4-alpha deficiency. Identifiers: Orphanet 365, MedGen C0017921, MONDO:0009290, OMIM 232300.

Allele frequency attached by ClinVar (database versions not stated): gnomAD 0.00001; gnomAD exomes 0.00001 and 0.00002; ExAC 0.00003.
gnomAD v4.1: 16 of 1,612,180 alleles (0.00099%); highest among the groups gnomAD compares: East Asian, 0.0022%; no homozygotes.

Submissions (8):

Genomenon, Inc
Classification: Uncertain significance for Glycogen storage disease, type II. Last evaluated: 2026-07-01. Review status: criteria provided, single submitter. Criteria: Genomenon Sequence Variant Interpretation Standards - Updated. Collection method: curation. Allele origin: germline. Affected: no.
Comment: GAA p.Arg190Cys (c.568C>T) is a missense variant that changes the amino acid at codon 190 from Arginine to Cysteine. This variant has been reported in the compound heterozygous and/or homozygous state in at least one individual without a confirmed diagnosis of Pompe disease (PMID:31076647). The presence of pathogenic/likely pathogenic missense variant(s) at the same amino acid position indicates that this residue is likely important for protein function. It is absent or not present at a significant frequency in gnomAD. In conclusion, we classify GAA p.Arg190Cys (c.568C>T) as a variant of uncertain significance.

Natera, Inc.
Classification: Likely pathogenic for Glycogen storage disease type II. Last evaluated: 2025-07-16. Review status: criteria provided, single submitter. Criteria: Natera Variant Classification Schema (03/2026). Collection method: clinical testing. Allele origin: germline.
Comment: The c.568C>T variant in GAA is a missense variant predicted to cause substitution of arginine to cysteine at amino acid 190. This variant is rare in the general population with a frequency below the threshold expected for the associated phenotype(s). This variant has been observed in one or more individuals affected with the associated recessive disease, as either homozygous or compound heterozygous with a second variant (PMID: 29046207). A different variant at the same position has been determined to be Pathogenic or Likely Pathogenic. Computational prediction algorithms indicate this variant is likely to affect gene or protein function. Given the available evidence, this variant is classified as Likely Pathogenic.

Revvity Omics, Revvity
Classification: Uncertain significance. Last evaluated: 2025-05-05. Review status: criteria provided, single submitter. Criteria: ACMG Guidelines, 2015. Collection method: clinical testing. Allele origin: germline.

Labcorp Genetics (formerly Invitae), Labcorp
Classification: Pathogenic for Glycogen storage disease, type II. Last evaluated: 2025-03-26. Review status: criteria provided, single submitter. Criteria: Invitae Variant Classification Sherloc (09022015). Collection method: clinical testing. Allele origin: germline.
Comment: This sequence change replaces arginine, which is basic and polar, with cysteine, which is neutral and slightly polar, at codon 190 of the GAA protein (p.Arg190Cys). This variant is present in population databases (rs771258854, gnomAD 0.006%). This missense change has been observed in individual(s) with Pompe disease (PMID: 29046207). In at least one individual the data is consistent with being in trans (on the opposite chromosome) from a pathogenic variant. ClinVar contains an entry for this variant (Variation ID: 645336). Invitae Evidence Modeling of protein sequence and biophysical properties (such as structural, functional, and spatial information, amino acid conservation, physicochemical variation, residue mobility, and thermodynamic stability) indicates that this missense variant is expected to disrupt GAA protein function with a positive predictive value of 95%. This variant disrupts the p.Arg190 amino acid residue in GAA. Other variant(s) that disrupt this residue have been determined to be pathogenic (PMID: 23000108, 29124014, 29149851). This suggests that this residue is clinically significant, and that variants that disrupt this residue are likely to be disease-causing. For these reasons, this variant has been classified as Pathogenic.

Fulgent Genetics
Classification: Pathogenic for Glycogen storage disease, type II. Last evaluated: 2024-05-30. Review status: criteria provided, single submitter. Criteria: ACMG Guidelines, 2015. Collection method: clinical testing. Allele origin: germline.

GeneDx
Classification: Likely pathogenic. Last evaluated: 2023-10-06. Review status: criteria provided, single submitter. Criteria: GeneDx Variant Classification Process June 2021. Collection method: clinical testing. Allele origin: germline. Affected: yes.
Comment: Observed with a second GAA variant in an individual with Pompe disease reported in the published literature, but it is not known whether the variants occurred on the same (in cis) or on different (in trans) chromosomes (PMID: 29046207); Not observed at significant frequency in large population cohorts (gnomAD); In silico analysis supports that this missense variant has a deleterious effect on protein structure/function; This variant is associated with the following publications: (PMID: 33560568, 19343043, 22253258, 29046207, 22644586, 23000108)

Blueprint Genetics
Classification: Uncertain significance. Last evaluated: 2020-08-28. Review status: criteria provided, single submitter. Criteria: ACMG Guidelines, 2015. Collection method: clinical testing. Allele origin: germline.

Dr. Peter K. Rogan Lab, Western University
No classification provided (evidence only). Condition: Cervical cancer. Review status: no classification provided. Collection method: in vitro. Allele origin: not applicable. Functional consequence: retained intron. Not counted in ClinVar's aggregate classification.

Literature cited by the submitters: PubMed 31076647 (cited by Genomenon, Inc); PubMed 29046207 (cited by Natera, Inc. and Labcorp Genetics (formerly Invitae), Labcorp); PubMed 23000108 (cited by Labcorp Genetics (formerly Invitae), Labcorp); PubMed 29124014 (cited by Labcorp Genetics (formerly Invitae), Labcorp); PubMed 29149851 (cited by Labcorp Genetics (formerly Invitae), Labcorp).

NM_000152.5(GAA):c.568C>T (p.Arg190Cys)

Gene: GAA (alpha glucosidase; plus strand). Cytogenetic location: 17q25.3.
Variant type: single nucleotide variant.
Coding change: c.568C>T on transcript NM_000152.5 (MANE Select); coding-DNA position 568, C replaced by T.
Protein change: p.Arg190Cys; replaces arginine 190 with cysteine.
Molecular consequence: missense variant.
Genome position (GRCh38, 1-based): chr17:80,105,770, C>T. VCF-style: chr17-80105770-C-T. GRCh37 (hg19) VCF-style: chr17-78079569-C-T.
Other names: c.568C>T (NM_000152.4, LRG_673t1); c.568C>T, p.Arg190Cys (NM_001079803.3, NM_001079804.3); short protein forms R190C.
Identifiers: ClinVar variation 645336 (VCV000645336.16), dbSNP rs771258854, ClinGen allele CA8814929.
Genomic context (GRCh38, chr17:80,105,770, plus strand): 5'-TGGCTGTGGGGAACATCAATAAACCCCCATCTCTTCTAGATCAAAGATCCAGCTAACAGG[C>T]GCTACGAGGTGCCCTTGGAGACCCCGCATGTCCACAGCCGGGCACCGTCCCCACTCTACA-3'
Protein context (NP_000143.2, residues 180-200): HFTIKDPANR[Arg190Cys]YEVPLETPHV